The following is an entry in ClinVar:

ClinVar aggregate classification (germline): Pathogenic/Likely pathogenic. Review status: criteria provided, multiple submitters, no conflicts (2 of 4 stars). 3 submissions from 3 submitters: Pathogenic (2); Likely pathogenic (1). Last evaluated 2026-01-02.

Conditions:
Familial adenomatous polyposis 4 (FAP4). Also called: MSH3-related attenuated familial adenomatous polyposis. Identifiers: Orphanet 480536, MedGen C4310719, MONDO:0044300, OMIM 617100.
Hereditary cancer-predisposing syndrome. Also called: Tumor predisposition; Hereditary Cancer Syndrome; Hereditary neoplastic syndrome; Neoplastic Syndromes, Hereditary. Identifiers: Orphanet 140162, MedGen C0027672, MeSH D009386, MONDO:0015356.
Endometrial carcinoma. Also called: Endometrial carcinoma, somatic. Identifiers: MedGen C0476089, MONDO:0002447, OMIM 608089, HP:0012114.

Submissions (3):

Ambry Genetics
Classification: Pathogenic for Hereditary cancer-predisposing syndrome. Last evaluated: 2026-01-02. Review status: criteria provided, single submitter. Criteria: Ambry Variant Classification Scheme 2023. Collection method: clinical testing. Allele origin: germline.
Comment: The c.2673_2680delAATGATAAinsT pathogenic mutation, located in coding exon 20 of the MSH3 gene, results from the deletion of 8 nucleotides and insertion of one nucleotide causing a translational frameshift with a predicted alternate stop codon (p.M892Lfs*13). This variant is considered to be rare based on population cohorts in the Genome Aggregation Database (gnomAD). This alteration is expected to result in loss of function by premature protein truncation or nonsense-mediated mRNA decay. As such, this alteration is interpreted as a disease-causing mutation.

Myriad Genetics, Inc.
Classification: Pathogenic for Familial adenomatous polyposis 4. Last evaluated: 2023-08-31. Review status: criteria provided, single submitter. Criteria: Myriad Autosomal Dominant, Autosomal Recessive and X-Linked Classification Criteria (2023). Collection method: clinical testing. Allele origin: unknown.
Comment: This variant is considered pathogenic. This variant creates a frameshift predicted to result in premature protein truncation.

Baylor Genetics
Classification: Likely pathogenic for Endometrial carcinoma. Last evaluated: 2022-10-17. Review status: criteria provided, single submitter. Criteria: ACMG Guidelines, 2015. Collection method: clinical testing. Allele origin: unknown.

NM_002439.5(MSH3):c.2673_2680delinsT (p.Met892fs)

Gene: MSH3 (mutS homolog 3; plus strand). Cytogenetic location: 5q14.1.
Variant type: Indel.
Coding change: c.2673_2680delinsT on transcript NM_002439.5 (MANE Select); coding-DNA positions 2673 to 2680, AATGATAA replaced by T.
Protein change: p.Met892fs; shifts the reading frame from methionine 892.
Molecular consequence: frameshift variant.
Genome position (GRCh38, 1-based): chr5:80,813,601-80,813,608, AATGATAA replaced by T. VCF-style: chr5-80813601-AATGATAA-T. GRCh37 (hg19) VCF-style: chr5-80109420-AATGATAA-T.
Other names: c.2673_2680delAATGATAAinsT (NM_002439.3); short protein forms M892fs.
Identifiers: ClinVar variation 2673505 (VCV002673505.3), dbSNP rs1453372448, ClinGen allele CA2695198684.